The following is an entry in ClinVar:

NC_000004.12:g.(?_625627)_(626094_?)del

Gene: PDE6B (phosphodiesterase 6B; plus strand). Cytogenetic location: 4p16.3.
Variant type: Deletion.
Identifiers: ClinVar variation 831390 (VCV000831390.3).

ClinVar aggregate classification (germline): Pathogenic (1 of 4 stars; one submission).

Submission:

Labcorp Genetics (formerly Invitae), Labcorp
Classification: Pathogenic. Last evaluated: 2023-10-03. Review status: criteria provided, single submitter. Criteria: Invitae Variant Classification Sherloc (09022015). Collection method: clinical testing. Allele origin: germline.
Comment: This variant is a gross deletion of the genomic region encompassing exon(s) 1 of the PDE6B gene, which includes the initiator codon. This deletion extends beyond the assayed region for this gene and therefore may encompass additional genes. It is expected to result in an absent or disrupted protein product. Loss-of-function variants in PDE6B are known to be pathogenic (PMID: 8394174, 8595886, 22334370). A similar copy number variant has been observed in individual(s) with retinitis pigmentosa (Invitae). For these reasons, this variant has been classified as Pathogenic.

Literature cited by the submitters: PubMed 8394174; PubMed 8595886; PubMed 22334370.